The following is an entry in ClinVar:

ClinVar aggregate classification (germline): Uncertain significance (1 of 4 stars; one submission).

gnomAD v4.1: 9 of 1,553,588 alleles (0.00058%); highest among the groups gnomAD compares: Non-Finnish European, 0.00078%; 1 homozygote.

Submission:

Ambry Genetics
Classification: Uncertain significance. Last evaluated: 2026-09-02. Review status: criteria provided, single submitter. Criteria: Ambry Variant Classification Scheme 2023. Collection method: clinical testing. Allele origin: germline.
Comment: The c.766T>C (p.W256R) alteration is located in exon 2 (coding exon 2) of the UGT2B28 gene. This alteration results from a T to C substitution at nucleotide position 766, causing the tryptophan (W) at amino acid position 256 to be replaced by an arginine (R). Based on data from gnomAD, the C allele has an overall frequency of 0.001% (3/234134) total alleles studied. The highest observed frequency was 0.003% (3/109316) of European (non-Finnish) alleles. Based on insufficient or conflicting evidence, the clinical significance of this alteration remains unclear.

NM_053039.2(UGT2B28):c.766T>C (p.Trp256Arg)

Gene: UGT2B28 (UDP glucuronosyltransferase family 2 member B28; plus strand). Cytogenetic location: 4q13.2.
Variant type: single nucleotide variant.
Coding change: c.766T>C on transcript NM_053039.2 (MANE Select); coding-DNA position 766, T replaced by C.
Protein change: p.Trp256Arg; replaces tryptophan 256 with arginine.
Molecular consequence: missense variant.
Genome position (GRCh38, 1-based): chr4:69,282,558, T>C. VCF-style: chr4-69282558-T-C. GRCh37 (hg19) VCF-style: chr4-70148276-T-C.
Other names: c.766T>C, p.Trp256Arg (NM_001207004.2); short protein forms W256R.
Identifiers: ClinVar variation 5031585 (VCV005031585.1).